The following is an entry in ClinVar:

ClinVar aggregate classification (germline): Uncertain significance. Review status: criteria provided, multiple submitters, no conflicts (2 of 4 stars). 2 submissions from 2 submitters: Uncertain significance (2). Last evaluated 2023-07-06.

Conditions:
Neurofibromatosis, type 1 (NF1). Also called: VON RECKLINGHAUSEN DISEASE; NEUROFIBROMATOSIS, TYPE I, SOMATIC; Peripheral type neurofibromatosis; Neurofibromatosis, type I. Identifiers: Orphanet 636, MedGen C0027831, MONDO:0018975, OMIM 162200. Disease mechanism: loss of function.

Submissions (2):

GeneDx
Classification: Uncertain significance. Last evaluated: 2023-07-06. Review status: criteria provided, single submitter. Criteria: GeneDx Variant Classification Process June 2021. Collection method: clinical testing. Allele origin: germline. Affected: yes.
Comment: Not observed at significant frequency in large population cohorts (gnomAD); In silico analysis supports that this missense variant has a deleterious effect on protein structure/function; Has not been previously published as pathogenic or benign to our knowledge; This variant is associated with the following publications: (PMID: 25486365)

Labcorp Genetics (formerly Invitae), Labcorp
Classification: Uncertain significance for Neurofibromatosis, type 1. Last evaluated: 2021-12-11. Review status: criteria provided, single submitter. Criteria: Invitae Variant Classification Sherloc (09022015). Collection method: clinical testing. Allele origin: germline.
Comment: In summary, the available evidence is currently insufficient to determine the role of this variant in disease. Therefore, it has been classified as a Variant of Uncertain Significance. Advanced modeling of protein sequence and biophysical properties (such as structural, functional, and spatial information, amino acid conservation, physicochemical variation, residue mobility, and thermodynamic stability) performed at Invitae indicates that this missense variant is expected to disrupt NF1 protein function. ClinVar contains an entry for this variant (Variation ID: 661244). This variant has not been reported in the literature in individuals affected with NF1-related conditions. This variant is not present in population databases (gnomAD no frequency). This sequence change replaces glutamic acid, which is acidic and polar, with lysine, which is basic and polar, at codon 701 of the NF1 protein (p.Glu701Lys).

NM_001042492.3(NF1):c.2101G>A (p.Glu701Lys)

Gene: NF1 (neurofibromin 1; plus strand). Cytogenetic location: 17q11.2.
Variant type: single nucleotide variant.
Coding change: c.2101G>A on transcript NM_001042492.3 (MANE Select); coding-DNA position 2101, G replaced by A.
Protein change: p.Glu701Lys; replaces glutamic acid 701 with lysine.
Molecular consequence: missense variant.
Genome position (GRCh38, 1-based): chr17:31,226,534, G>A. VCF-style: chr17-31226534-G-A. GRCh37 (hg19) VCF-style: chr17-29553552-G-A.
Other names: c.2101G>A, p.Glu701Lys (NM_000267.4); short protein forms E701K.
Identifiers: ClinVar variation 661244 (VCV000661244.6), dbSNP rs1597712510, ClinGen allele CA398982258.